The following is an entry in ClinVar:

ClinVar aggregate classification (germline): Uncertain significance (1 of 4 stars; one submission).

Submission:

Labcorp Genetics (formerly Invitae), Labcorp
Classification: Uncertain significance. Last evaluated: 2024-04-25. Review status: criteria provided, single submitter. Criteria: Invitae Variant Classification Sherloc (09022015). Collection method: clinical testing. Allele origin: germline.
Comment: This sequence change replaces alanine, which is neutral and non-polar, with glycine, which is neutral and non-polar, at codon 176 of the RAX2 protein (p.Ala176Gly). This variant is not present in population databases (gnomAD no frequency). This variant has not been reported in the literature in individuals affected with RAX2-related conditions. Algorithms developed to predict the effect of missense changes on protein structure and function output the following: SIFT: "Not Available"; PolyPhen-2: "Benign"; Align-GVGD: "Not Available". The glycine amino acid residue is found in multiple mammalian species, which suggests that this missense change does not adversely affect protein function. Algorithms developed to predict the effect of sequence changes on RNA splicing suggest that this variant may create or strengthen a splice site. In summary, the available evidence is currently insufficient to determine the role of this variant in disease. Therefore, it has been classified as a Variant of Uncertain Significance.

NM_001319074.4(RAX2):c.527C>G (p.Ala176Gly)

Gene: RAX2 (retina and anterior neural fold homeobox 2; minus strand). Cytogenetic location: 19p13.3.
Variant type: single nucleotide variant.
Coding change: c.527C>G on transcript NM_001319074.4 (MANE Select); coding-DNA position 527, C replaced by G.
Protein change: p.Ala176Gly; replaces alanine 176 with glycine.
Molecular consequence: missense variant.
Genome position (GRCh38, 1-based): chr19:3,770,649, G>C on the plus strand (C>G on the coding strand, the complement: RAX2 is on the minus strand). VCF-style: chr19-3770649-G-C. GRCh37 (hg19) VCF-style: chr19-3770647-G-C.
Other names: c.527C>G, p.Ala176Gly (NM_032753.4); short protein forms A176G.
Identifiers: ClinVar variation 3646849 (VCV003646849.2).